The following is an entry in ClinVar:

ClinVar aggregate classification (germline): Conflicting classifications of pathogenicity. Review status: criteria provided, conflicting classifications (1 of 4 stars). 8 submissions from 8 submitters: Uncertain significance (1); Benign (3); Likely benign (4). Last evaluated 2026-01-20.

Conditions:
Inborn genetic diseases. Identifiers: MedGen C0950123, MeSH D030342.
Seizures, benign familial infantile, 3 (BFIS3). Also called: CONVULSIONS, BENIGN FAMILIAL INFANTILE, 3; Familial neonatal seizures. Identifiers: Orphanet 140927, Orphanet 306, MedGen C1843140, MONDO:0011904, OMIM 607745.
Developmental and epileptic encephalopathy, 11 (DEE11). Also called: Early infantile epileptic encephalopathy 11. Identifiers: Orphanet 1934, MedGen C3150987, MONDO:0013388, OMIM 613721.

Allele frequency attached by ClinVar (database versions not stated): gnomAD 0.00010; TOPMed 0.00021; 1000 Genomes Project 30x 0.00031; ESP Exome Variant Server 0.00031; 1000 Genomes Project 0.00040.
gnomAD v4.1: 448 of 1,614,052 alleles (0.028%); highest among the groups gnomAD compares: Non-Finnish European, 0.017%; no homozygotes.

Submissions (8):

Labcorp Genetics (formerly Invitae), Labcorp
Classification: Likely benign for Seizures, benign familial infantile, 3; Developmental and epileptic encephalopathy, 11. Last evaluated: 2026-01-20. Review status: criteria provided, single submitter. Criteria: Invitae Variant Classification Sherloc (09022015). Collection method: clinical testing. Allele origin: germline.

CeGaT Center for Human Genetics Tuebingen
Classification: Likely benign. Last evaluated: 2025-10-01. Review status: criteria provided, single submitter. Criteria: CeGaT Center For Human Genetics Tuebingen Variant Classification Criteria Version 2. Collection method: clinical testing. Allele origin: germline. Affected: yes. Observed: 2 variant alleles.
Comment: SCN2A: BP4, BP7

Blueprint Genetics
Classification: Likely benign. Last evaluated: 2024-09-23. Review status: criteria provided, single submitter. Criteria: ACMG Guidelines, 2015. Collection method: clinical testing. Allele origin: germline.

Illumina Laboratory Services, Illumina
Classification: Benign for Seizures, benign familial infantile, 3. Last evaluated: 2018-01-13. Review status: criteria provided, single submitter. Criteria: ICSL Variant Classification Criteria 13 December 2019. Collection method: clinical testing. Allele origin: germline.
Comment: This variant was observed in the ICSL laboratory as part of a predisposition screen in an ostensibly healthy population. It had not been previously curated by ICSL or reported in the Human Gene Mutation Database (HGMD: prior to June 1st, 2018), and was therefore a candidate for classification through an automated scoring system. Utilizing variant allele frequency, disease prevalence and penetrance estimates, and inheritance mode, an automated score was calculated to assess if this variant is too frequent to cause the disease. Based on the score and internal cut-off values, a variant classified as benign is not then subjected to further curation. The score for this variant resulted in a classification of benign for this disease.

Eurofins Ntd Llc (ga)
Classification: Benign. Last evaluated: 2017-12-07. Review status: criteria provided, single submitter. Criteria: EGL Classification Definitions 2015. Collection method: clinical testing. Allele origin: germline. Observed: 1 variant allele, 1 heterozygote.

Ambry Genetics
Classification: Likely benign for Inborn genetic diseases. Last evaluated: 2016-04-26. Review status: criteria provided, single submitter. Criteria: Ambry Variant Classification Scheme 2023. Collection method: clinical testing. Allele origin: germline.

Genetic Services Laboratory, University of Chicago
Classification: Uncertain significance. Last evaluated: 2015-06-24. Review status: criteria provided, single submitter. Criteria: ACMG Guidelines, 2015. Collection method: clinical testing. Allele origin: germline.

GeneDx
Classification: Benign. Last evaluated: 2013-02-27. Review status: criteria provided, single submitter. Criteria: GeneDx Variant Classification (06012015). Collection method: clinical testing. Allele origin: germline. Affected: yes.
Comment: This variant is considered likely benign or benign based on one or more of the following criteria: it is a conservative change, it occurs at a poorly conserved position in the protein, it is predicted to be benign by multiple in silico algorithms, and/or has population frequency not consistent with disease.

NM_001040142.2(SCN2A):c.24G>A (p.Pro8=)

Gene: SCN2A (sodium voltage-gated channel alpha subunit 2; plus strand). Cytogenetic location: 2q24.3.
Variant type: single nucleotide variant.
Coding change: c.24G>A on transcript NM_001040142.2 (MANE Select); coding-DNA position 24, G replaced by A.
Protein change: p.Pro8=; no amino-acid change (proline 8 retained).
Molecular consequence: synonymous variant.
Genome position (GRCh38, 1-based): chr2:165,295,847, G>A. VCF-style: chr2-165295847-G-A. GRCh37 (hg19) VCF-style: chr2-166152357-G-A.
Other names: p.P8P:CCG>CCA; c.24G>A, p.Pro8= (NM_001040143.2, NM_001371246.1, NM_001371247.1 and 1 more transcripts).
Identifiers: ClinVar variation 139022 (VCV000139022.51), dbSNP rs149534277, ClinGen allele CA293269.